The following is an entry in ClinVar:

NM_197968.4(ZMYM2):c.1670A>G (p.Tyr557Cys)

Gene: ZMYM2 (zinc finger MYM-type containing 2; plus strand). Cytogenetic location: 13q12.11.
Variant type: single nucleotide variant.
Coding change: c.1670A>G on transcript NM_197968.4 (MANE Select); coding-DNA position 1670, A replaced by G.
Protein change: p.Tyr557Cys; replaces tyrosine 557 with cysteine.
Molecular consequence: missense variant. On other transcripts: non-coding transcript variant (1).
Genome position (GRCh38, 1-based): chr13:20,026,697, A>G. VCF-style: chr13-20026697-A-G. GRCh37 (hg19) VCF-style: chr13-20600837-A-G.
Other names: c.1670A>G, p.Tyr557Cys (NM_001353164.2, NM_001353165.2, NM_003453.6 and 5 more transcripts); c.1475A>G, p.Tyr492Cys (NM_001353161.3); c.1409A>G, p.Tyr470Cys (NM_001353163.2); short protein forms Y470C, Y492C, Y557C.
Identifiers: ClinVar variation 4852753 (VCV004852753.2).

ClinVar aggregate classification (germline): Likely benign (1 of 4 stars; one submission).

gnomAD v4.1: 2 of 1,608,044 alleles (0.00012%); highest among the groups gnomAD compares: Non-Finnish European, 0.00017%; no homozygotes.

Submission:

Dasa
Classification: Likely benign. Last evaluated: 2025-05-23. Review status: criteria provided, single submitter. Criteria: DASA Assertion Criteria. Collection method: clinical testing. Allele origin: germline.
Comment: NM_197968.4(ZMYM2):c.1670A>G (p.Tyr557Cys) is a missense variant that results in the substitution of tyrosine with cysteine. The variant context is inconsistent with a known disease-causing mechanism. Computational prediction algorithms are consistent with a benign effect. Therefore, based on the currently available evidence, this variant is classified as likely benign.